The following is an entry in ClinVar:

NM_001080414.4(CCDC88C):c.686T>C (p.Ile229Thr)

Gene: CCDC88C (coiled-coil domain containing 88C; minus strand). Cytogenetic location: 14q32.11.
Variant type: single nucleotide variant.
Coding change: c.686T>C on transcript NM_001080414.4 (MANE Select); coding-DNA position 686, T replaced by C.
Protein change: p.Ile229Thr; replaces isoleucine 229 with threonine.
Molecular consequence: missense variant.
Genome position (GRCh38, 1-based): chr14:91,339,401, A>G on the plus strand (T>C on the coding strand, the complement: CCDC88C is on the minus strand). VCF-style: chr14-91339401-A-G. GRCh37 (hg19) VCF-style: chr14-91805745-A-G.
Other names: short protein forms I229T.
Identifiers: ClinVar variation 421780 (VCV000421780.2), dbSNP rs1064795357, ClinGen allele CA16619896.

ClinVar aggregate classification (germline): Uncertain significance (1 of 4 stars; one submission).

Allele frequency attached by ClinVar (database versions not stated): TOPMed below 0.00001.

Submission:

GeneDx
Classification: Uncertain significance. Last evaluated: 2016-08-02. Review status: criteria provided, single submitter. Criteria: GeneDx Variant Classification (06012015). Collection method: clinical testing. Allele origin: germline. Affected: yes.
Comment: The I229T variant in the CCDC88C gene has not been reported previously as a pathogenic variant, nor as a benign variant, to our knowledge. The I229T variant was not observed in approximately 6,400 individuals of European and African American ancestry in the NHLBI Exome Sequencing Project, indicating it is not a common benign variant in these populations. The I229T variant is a non-conservative amino acid substitution, which is likely to impact secondary protein structure as these residues differ in polarity, charge, size and/or other properties. However, this substitution occurs at a position that is not conserved, and in silico analysis predicts this variant likely does not alter the protein structure/function. We interpret I229T as a variant of uncertain significance.